The following is an entry in ClinVar:

ClinVar aggregate classification (germline): Likely benign. Review status: criteria provided, multiple submitters, no conflicts (2 of 4 stars). 2 submissions from 2 submitters: Likely benign (2). Last evaluated 2026-09-01.

Conditions:
Norman-Roberts syndrome (LIS2). Also called: Lissencephaly 2 (Norman-Roberts type). Identifiers: Orphanet 89844, MedGen C0796089, MONDO:0009760, OMIM 257320.
Familial temporal lobe epilepsy 7. Identifiers: Orphanet 101046, MedGen C4225327, MONDO:0014639, OMIM 616436.

Allele frequency attached by ClinVar (database versions not stated): gnomAD exomes below 0.00001.
gnomAD v4.1: 3 of 1,613,872 alleles (0.00019%); highest among the groups gnomAD compares: Admixed American, 0.0017%; no homozygotes.

Submissions (2):

CeGaT Center for Human Genetics Tuebingen
Classification: Likely benign. Last evaluated: 2026-09-01. Review status: criteria provided, single submitter. Criteria: CeGaT Center For Human Genetics Tuebingen Variant Classification Criteria Version 2. Collection method: clinical testing. Allele origin: germline. Affected: yes. Observed: 1 variant allele.
Comment: RELN: BP4, BP7

Labcorp Genetics (formerly Invitae), Labcorp
Classification: Likely benign for Familial temporal lobe epilepsy 7; Norman-Roberts syndrome. Last evaluated: 2021-11-29. Review status: criteria provided, single submitter. Criteria: Invitae Variant Classification Sherloc (09022015). Collection method: clinical testing. Allele origin: germline.

NM_005045.4(RELN):c.2169C>T (p.Tyr723=)

Gene: RELN (reelin; minus strand). Cytogenetic location: 7q22.1.
Variant type: single nucleotide variant.
Coding change: c.2169C>T on transcript NM_005045.4 (MANE Select); coding-DNA position 2169, C replaced by T.
Protein change: p.Tyr723=; no amino-acid change (tyrosine 723 retained).
Molecular consequence: synonymous variant.
Genome position (GRCh38, 1-based): chr7:103,636,369, G>A on the plus strand (C>T on the coding strand, the complement: RELN is on the minus strand). VCF-style: chr7-103636369-G-A. GRCh37 (hg19) VCF-style: chr7-103276816-G-A.
Other names: c.2169C>T, p.Tyr723= (NM_173054.3).
Identifiers: ClinVar variation 1555416 (VCV001555416.9), dbSNP rs1334061774, ClinGen allele CA457198958.